The following is an entry in ClinVar:

NM_001283009.2(RTEL1):c.1263T>A (p.Tyr421Ter)

Genes: RTEL1 (regulator of telomere elongation helicase 1; plus strand), RTEL1-TNFRSF6B (RTEL1-TNFRSF6B readthrough (NMD candidate); plus strand). Cytogenetic location: 20q13.33.
Variant type: single nucleotide variant.
Coding change: c.1263T>A on transcript NM_001283009.2 (MANE Select); coding-DNA position 1263, T replaced by A.
Protein change: p.Tyr421Ter; replaces tyrosine 421 with a stop codon.
Molecular consequence: nonsense. On other transcripts: non-coding transcript variant (1).
Genome position (GRCh38, 1-based): chr20:63,685,594, T>A. VCF-style: chr20-63685594-T-A. GRCh37 (hg19) VCF-style: chr20-62316947-T-A.
Other names: c.594T>A, p.Tyr198Ter (NM_001283010.1); c.1263T>A, p.Tyr421Ter (NM_016434.4); c.1335T>A, p.Tyr445Ter (NM_032957.5); short protein forms Y445*, Y421*, Y198*.
Identifiers: ClinVar variation 1456476 (VCV001456476.6), dbSNP rs2145411479, ClinGen allele CA409675835.

ClinVar aggregate classification (germline): Pathogenic (1 of 4 stars; one submission).

Conditions:
Dyskeratosis congenita, autosomal recessive 5 (DKCB5). Identifiers: MedGen C3554656, MONDO:0014076, OMIM 615190.
Pulmonary fibrosis and/or bone marrow failure, Telomere-related, 3. Also called: PULMONARY FIBROSIS AND/OR BONE MARROW FAILURE SYNDROME, TELOMERE-RELATED, 3. Identifiers: Orphanet 2032, MedGen C4225346, MONDO:0014613, OMIM 616373.

Submission:

Labcorp Genetics (formerly Invitae), Labcorp
Classification: Pathogenic for Dyskeratosis congenita, autosomal recessive 5; Pulmonary fibrosis and/or bone marrow failure, Telomere-related, 3. Last evaluated: 2021-06-19. Review status: criteria provided, single submitter. Criteria: Invitae Variant Classification Sherloc (09022015). Collection method: clinical testing. Allele origin: germline.
Comment: This sequence change creates a premature translational stop signal (p.Tyr421*) in the RTEL1 gene. It is expected to result in an absent or disrupted protein product. Loss-of-function variants in RTEL1 are known to be pathogenic (PMID: 23453664, 23959892, 25607374). This variant is not present in population databases (ExAC no frequency). This variant has not been reported in the literature in individuals with RTEL1-related conditions. For these reasons, this variant has been classified as Pathogenic.

Literature cited by the submitters: PubMed 23453664; PubMed 23959892; PubMed 25607374.